The following is an entry in ClinVar:

ClinVar aggregate classification (germline): Uncertain significance. Review status: criteria provided, multiple submitters, no conflicts (2 of 4 stars). 2 submissions from 2 submitters: Uncertain significance (2). Last evaluated 2026-04-13.

Submissions (2):

GeneDx
Classification: Uncertain significance. Last evaluated: 2026-04-13. Review status: criteria provided, single submitter. Criteria: GeneDx Variant Classification Process June 2021. Collection method: clinical testing. Allele origin: germline.
Comment: Not observed at significant frequency in large population cohorts (gnomAD); In silico analysis supports that this missense variant has a deleterious effect on protein structure/function; Has not been previously published as pathogenic or benign to our knowledge

Blueprint Genetics
Classification: Uncertain significance. Last evaluated: 2022-08-31. Review status: criteria provided, single submitter. Criteria: ACMG Guidelines, 2015. Collection method: clinical testing. Allele origin: germline.

NM_006946.4(SPTBN2):c.2429C>A (p.Ala810Glu)

Gene: SPTBN2 (spectrin beta, non-erythrocytic 2; minus strand). Cytogenetic location: 11q13.2.
Variant type: single nucleotide variant.
Coding change: c.2429C>A on transcript NM_006946.4 (MANE Select); coding-DNA position 2429, C replaced by A.
Protein change: p.Ala810Glu; replaces alanine 810 with glutamic acid.
Molecular consequence: missense variant.
Genome position (GRCh38, 1-based): chr11:66,704,847, G>T on the plus strand (C>A on the coding strand, the complement: SPTBN2 is on the minus strand). VCF-style: chr11-66704847-G-T. GRCh37 (hg19) VCF-style: chr11-66472318-G-T.
Other names: c.2450C>A, p.Ala817Glu (NM_001411025.1); c.2429C>A, p.Ala810Glu (NM_001437541.1); c.2429C>A (NM_006946.2); short protein forms A810E, A817E.
Identifiers: ClinVar variation 4912506 (VCV004912506.2).